The following is an entry in ClinVar:

ClinVar aggregate classification (germline): Uncertain significance. Review status: criteria provided, multiple submitters, no conflicts (2 of 4 stars). 4 submissions from 4 submitters: Uncertain significance (3). 1 of the submissions does not count toward it. Last evaluated 2026-01-19.

Conditions:
Inborn genetic diseases. Identifiers: MedGen C0950123, MeSH D030342.
SAMD9-related disorder. Also called: SAMD9-related condition.

Allele frequency attached by ClinVar (database versions not stated): ESP Exome Variant Server 0.00008; gnomAD exomes 0.00005; TOPMed 0.00005; ExAC 0.00002; gnomAD 0.00002.
gnomAD v4.1: 83 of 1,613,662 alleles (0.0051%); highest among the groups gnomAD compares: Middle Eastern, 0.12%; 1 homozygote.

Submissions (4):

Labcorp Genetics (formerly Invitae), Labcorp
Classification: Uncertain significance. Last evaluated: 2026-01-19. Review status: criteria provided, single submitter. Criteria: Invitae Variant Classification Sherloc (09022015). Collection method: clinical testing. Allele origin: germline.
Comment: This sequence change replaces arginine, which is basic and polar, with histidine, which is basic and polar, at codon 1040 of the SAMD9 protein (p.Arg1040His). This variant is present in population databases (rs372955426, gnomAD 0.01%). This variant has not been reported in the literature in individuals affected with SAMD9-related conditions. ClinVar contains an entry for this variant (Variation ID: 1810490). Invitae Evidence Modeling of protein sequence and biophysical properties (such as structural, functional, and spatial information, amino acid conservation, physicochemical variation, residue mobility, and thermodynamic stability) indicates that this missense variant is not expected to disrupt SAMD9 protein function with a negative predictive value of 95%. In summary, the available evidence is currently insufficient to determine the role of this variant in disease. Therefore, it has been classified as a Variant of Uncertain Significance.

Ambry Genetics
Classification: Uncertain significance for Inborn genetic diseases. Last evaluated: 2024-11-22. Review status: criteria provided, single submitter. Criteria: Ambry Variant Classification Scheme 2023. Collection method: clinical testing. Allele origin: germline.
Comment: The p.R1040H variant (also known as c.3119G>A), located in coding exon 1 of the SAMD9 gene, results from a G to A substitution at nucleotide position 3119. The arginine at codon 1040 is replaced by histidine, an amino acid with highly similar properties. This amino acid position is conserved. In addition, this alteration is predicted to be tolerated by in silico analysis. Based on the available evidence, the clinical significance of this variant remains unclear.

GeneDx
Classification: Uncertain significance. Last evaluated: 2024-06-05. Review status: criteria provided, single submitter. Criteria: GeneDx Variant Classification Process June 2021. Collection method: clinical testing. Allele origin: germline.
Comment: In silico analysis supports that this missense variant has a deleterious effect on protein structure/function; Has not been previously published as pathogenic or benign to our knowledge; This variant is associated with the following publications: (PMID: 28545555)

PreventionGenetics, part of Exact Sciences
Classification: Uncertain significance for SAMD9-related condition. Last evaluated: 2024-06-26. Review status: no assertion criteria provided. Collection method: clinical testing. Allele origin: germline. Not counted in ClinVar's aggregate classification.
Comment: The SAMD9 c.3119G>A variant is predicted to result in the amino acid substitution p.Arg1040His. To our knowledge, this variant has not been reported in the literature. This variant is reported in 0.012% of alleles in individuals of Latino descent in gnomAD. At this time, the clinical significance of this variant is uncertain due to the absence of conclusive functional and genetic evidence.

NM_017654.4(SAMD9):c.3119G>A (p.Arg1040His)

Gene: SAMD9 (sterile alpha motif domain containing 9; minus strand). Cytogenetic location: 7q21.2.
Variant type: single nucleotide variant.
Coding change: c.3119G>A on transcript NM_017654.4 (MANE Select); coding-DNA position 3119, G replaced by A.
Protein change: p.Arg1040His; replaces arginine 1040 with histidine.
Molecular consequence: missense variant.
Genome position (GRCh38, 1-based): chr7:93,102,979, C>T on the plus strand (G>A on the coding strand, the complement: SAMD9 is on the minus strand). VCF-style: chr7-93102979-C-T. GRCh37 (hg19) VCF-style: chr7-92732292-C-T.
Other names: c.3119G>A, p.Arg1040His (NM_001193307.2); short protein forms R1040H.
Identifiers: ClinVar variation 1810490 (VCV001810490.10), dbSNP rs372955426, ClinGen allele CA4342746.